The following is an entry in ClinVar:

ClinVar aggregate classification (germline): Uncertain significance (1 of 4 stars; one submission).

Conditions:
Glutamate formiminotransferase deficiency. Also called: Formiminoglutamic aciduria; Arakawa syndrome 1. Identifiers: Orphanet 51208, MedGen C0268609, MONDO:0009240, OMIM 229100.

gnomAD v4.1: 1 of 1,612,804 alleles (0.000062%); no homozygotes.

Submission:

Labcorp Genetics (formerly Invitae), Labcorp
Classification: Uncertain significance for Glutamate formiminotransferase deficiency. Last evaluated: 2022-03-26. Review status: criteria provided, single submitter. Criteria: Invitae Variant Classification Sherloc (09022015). Collection method: clinical testing. Allele origin: germline.
Comment: In summary, the available evidence is currently insufficient to determine the role of this variant in disease. Therefore, it has been classified as a Variant of Uncertain Significance. Algorithms developed to predict the effect of missense changes on protein structure and function are either unavailable or do not agree on the potential impact of this missense change (SIFT: "Deleterious"; PolyPhen-2: "Probably Damaging"; Align-GVGD: "Class C0"). This variant has not been reported in the literature in individuals affected with FTCD-related conditions. This variant is not present in population databases (gnomAD no frequency). This sequence change replaces phenylalanine, which is neutral and non-polar, with valine, which is neutral and non-polar, at codon 51 of the FTCD protein (p.Phe51Val).

NM_206965.2(FTCD):c.151T>G (p.Phe51Val)

Gene: FTCD (formimidoyltransferase cyclodeaminase; minus strand). Cytogenetic location: 21q22.3.
Variant type: single nucleotide variant.
Coding change: c.151T>G on transcript NM_206965.2 (MANE Select); coding-DNA position 151, T replaced by G.
Protein change: p.Phe51Val; replaces phenylalanine 51 with valine.
Molecular consequence: missense variant.
Genome position (GRCh38, 1-based): chr21:46,154,236, A>C on the plus strand (T>G on the coding strand, the complement: FTCD is on the minus strand). VCF-style: chr21-46154236-A-C. GRCh37 (hg19) VCF-style: chr21-47574150-A-C.
Other names: c.151T>G, p.Phe51Val (NM_001320412.2, NM_006657.3); short protein forms F51V.
Identifiers: ClinVar variation 1954086 (VCV001954086.5), dbSNP rs2517089147, ClinGen allele CA410522479.
Genomic context (GRCh38, chr21:46,154,236, plus strand): 5'-GGGAAGCTACCCGGGCAGCGTTGAGGGCCCCCTCCACCACGCACTCCGGCGGCCCCACGA[A>C]GGTGTACACGGTGCGGTTGGTGGAAGGGCCTGCGTCCACATCCAGCAGCACGCAGCCCGG-3'
Protein context (NP_996848.1, residues 41-61): GPSTNRTVYT[Phe51Val]VGPPECVVEG